The following is an entry in ClinVar:

ClinVar aggregate classification (germline): Likely benign (1 of 4 stars; one submission).

Submission:

Women's Health and Genetics/Laboratory Corporation of America, LabCorp
Classification: Likely benign. Last evaluated: 2025-07-29. Review status: criteria provided, single submitter. Criteria: LabCorp Variant Classification Summary - May 2015. Collection method: clinical testing. Allele origin: germline.
Comment: Variant summary: NLRC4 c.2258-11delT alters a conserved nucleotide located at a position not widely known to affect splicing. Consensus agreement among computation tools predict no significant impact on normal splicing. However, these predictions have yet to be confirmed by functional studies. The variant allele was found at a frequency of 4.2e-06 in 240260 control chromosomes. The available data on variant occurrences in the general population are insufficient to allow any conclusion about variant significance. To our knowledge, no occurrence of c.2258-11delT in individuals affected with Periodic fever-infantile enterocolitis-autoinflammatory syndrome and no experimental evidence demonstrating its impact on protein function have been reported. No submitters have cited clinical-significance assessments for this variant to ClinVar. Based on the evidence outlined above, the variant was classified as likely benign.

NM_001199138.2(NLRC4):c.2258-11del

Gene: NLRC4 (NLR family CARD domain containing 4; minus strand). Cytogenetic location: 2p22.3.
Variant type: Deletion.
Coding change: c.2258-11del on transcript NM_001199138.2 (MANE Select); 11 bases into the intron before coding-DNA position 2258, one base deleted (T; older notation c.2258-11delT).
Molecular consequence: intron variant.
Genome position (GRCh38, 1-based): chr2:32,241,136, A deleted on the plus strand (T on the coding strand, the reverse complement: NLRC4 is on the minus strand); the first of 6 consecutive A bases (chr2:32,241,136-32,241,141); deleting any one gives the same sequence. VCF-style (leftmost placement, unchanged base first): chr2-32241135-GA-G. GRCh37 (hg19) VCF-style: chr2-32466204-GA-G.
Other names: c.263-11del (NM_001302504.1); c.2258-11del (NM_021209.4, NM_001199139.1); c.2258-11delT (NM_021209.4).
Identifiers: ClinVar variation 4526054 (VCV004526054.1).